The following is an entry in ClinVar:

NM_006904.7(PRKDC):c.2323G>A (p.Glu775Lys)

Gene: PRKDC (protein kinase, DNA-activated, catalytic subunit; minus strand). Cytogenetic location: 8q11.21.
Variant type: single nucleotide variant.
Coding change: c.2323G>A on transcript NM_006904.7 (MANE Select); coding-DNA position 2323, G replaced by A.
Protein change: p.Glu775Lys; replaces glutamic acid 775 with lysine.
Molecular consequence: missense variant.
Genome position (GRCh38, 1-based): chr8:47,927,290, C>T on the plus strand (G>A on the coding strand, the complement: PRKDC is on the minus strand). VCF-style: chr8-47927290-C-T. GRCh37 (hg19) VCF-style: chr8-48839850-C-T.
Other names: c.2323G>A, p.Glu775Lys (NM_001081640.2); short protein forms E775K.
Identifiers: ClinVar variation 1789610 (VCV001789610.2), dbSNP rs1414372919, ClinGen allele CA371161926.

ClinVar aggregate classification (germline): Uncertain significance (1 of 4 stars; one submission).

Allele frequency attached by ClinVar (database versions not stated): gnomAD exomes below 0.00001.

Submission:

Ambry Genetics
Classification: Uncertain significance. Last evaluated: 2022-02-12. Review status: criteria provided, single submitter. Criteria: Ambry Variant Classification Scheme 2023. Collection method: clinical testing. Allele origin: germline.
Comment: The p.E775K variant (also known as c.2323G>A), located in coding exon 21 of the PRKDC gene, results from a G to A substitution at nucleotide position 2323. The glutamic acid at codon 775 is replaced by lysine, an amino acid with similar properties. This amino acid position is conserved. In addition, this alteration is predicted to be tolerated by in silico analysis. Since supporting evidence is limited at this time, the clinical significance of this alteration remains unclear.